The following is an entry in ClinVar:

NM_130384.3(ATRIP):c.224C>G (p.Pro75Arg)

Genes: ATRIP (ATR interacting protein; plus strand), ATRIP-TREX1 (ATRIP-TREX1 readthrough; plus strand). Cytogenetic location: 3p21.31.
Variant type: single nucleotide variant.
Coding change: c.224C>G on transcript NM_130384.3 (MANE Select); coding-DNA position 224, C replaced by G.
Protein change: p.Pro75Arg; replaces proline 75 with arginine.
Molecular consequence: missense variant. On other transcripts: non-coding transcript variant (1), intron variant (1).
Genome position (GRCh38, 1-based): chr3:48,447,069, C>G. VCF-style: chr3-48447069-C-G. GRCh37 (hg19) VCF-style: chr3-48488473-C-G.
Other names: c.224C>G, p.Pro75Arg (NM_032166.4); c.-218+270C>G (NM_001271022.2); short protein forms P75R.
Identifiers: ClinVar variation 3132125 (VCV003132125.2), dbSNP rs771487037, ClinGen allele CA2375908.

ClinVar aggregate classification (germline): Uncertain significance (1 of 4 stars; one submission).

Allele frequency attached by ClinVar (database versions not stated): TOPMed below 0.00001; ExAC 0.00007.
gnomAD v4.1: 30 of 1,563,430 alleles (0.0019%); highest among the groups gnomAD compares: South Asian, 0.034%; no homozygotes.

Submission:

Ambry Genetics
Classification: Uncertain significance. Last evaluated: 2024-12-07. Review status: criteria provided, single submitter. Criteria: Ambry Variant Classification Scheme 2023. Collection method: clinical testing. Allele origin: germline.
Comment: The p.P75R variant (also known as c.224C>G), located in coding exon 1 of the ATRIP gene, results from a C to G substitution at nucleotide position 224. The proline at codon 75 is replaced by arginine, an amino acid with dissimilar properties. This amino acid position is conserved. In addition, this alteration is predicted to be tolerated by in silico analysis. Based on the available evidence, the clinical significance of this variant remains unclear.